The following is an entry in ClinVar:

ClinVar aggregate classification (germline): Uncertain significance (1 of 4 stars; one submission).

Conditions:
Hereditary cancer-predisposing syndrome. Also called: Tumor predisposition; Hereditary Cancer Syndrome; Hereditary neoplastic syndrome; Neoplastic Syndromes, Hereditary. Identifiers: Orphanet 140162, MedGen C0027672, MeSH D009386, MONDO:0015356.

Allele frequency attached by ClinVar (database versions not stated): gnomAD exomes below 0.00001; ExAC 0.00001.
gnomAD v4.1: 1 of 1,612,584 alleles (0.000062%); highest among the groups gnomAD compares: Non-Finnish European, 0.000085%; no homozygotes.

Submission:

Ambry Genetics
Classification: Uncertain significance for Hereditary cancer-predisposing syndrome. Last evaluated: 2023-06-30. Review status: criteria provided, single submitter. Criteria: Ambry Variant Classification Scheme 2023. Collection method: clinical testing. Allele origin: germline.
Comment: The p.L1353W variant (also known as c.4058T>G), located in coding exon 10 of the MSH6 gene, results from a T to G substitution at nucleotide position 4058. The leucine at codon 1353 is replaced by tryptophan, an amino acid with similar properties. This amino acid position is highly conserved in available vertebrate species. In addition, the in silico prediction for this alteration is inconclusive. Since supporting evidence is limited at this time, the clinical significance of this alteration remains unclear.

NM_000179.3(MSH6):c.4058T>G (p.Leu1353Trp)

Gene: MSH6 (mutS homolog 6; plus strand). Cytogenetic location: 2p16.3.
Variant type: single nucleotide variant.
Coding change: c.4058T>G on transcript NM_000179.3 (MANE Select); coding-DNA position 4058, T replaced by G.
Protein change: p.Leu1353Trp; replaces leucine 1353 with tryptophan.
Molecular consequence: missense variant. On other transcripts: 3 prime UTR variant (5), non-coding transcript variant (5).
Genome position (GRCh38, 1-based): chr2:47,806,835, T>G. VCF-style: chr2-47806835-T-G. GRCh37 (hg19) VCF-style: chr2-48033974-T-G.
Other names: c.3668T>G, p.Leu1223Trp (NM_001281492.2); c.3152T>G, p.Leu1051Trp (NM_001281493.2, NM_001281494.2, NM_001406811.1 and 6 more transcripts); c.4154T>G, p.Leu1385Trp (NM_001406795.1); c.4058T>G, p.Leu1353Trp (NM_001406796.1, NM_001406809.1); c.3761T>G, p.Leu1254Trp (NM_001406797.1, NM_001406805.1, NM_001406818.1 and 8 more transcripts); c.3884T>G, p.Leu1295Trp (NM_001406798.1); c.3533T>G, p.Leu1178Trp (NM_001406799.1, NM_001406806.1, NM_001406807.1); c.*79T>G (NM_001406800.1); and 9 more; short protein forms L1051W, L1178W, L1223W, L1327W, L668W, L1065W, L1353W, L1355W.
Identifiers: ClinVar variation 2587319 (VCV002587319.2), dbSNP rs56238300, ClinGen allele CA072834.